The following is an entry in ClinVar:

NM_000147.5(FUCA1):c.1102G>A (p.Ala368Thr)

Gene: FUCA1 (alpha-L-fucosidase 1; minus strand). Cytogenetic location: 1p36.11.
Variant type: single nucleotide variant.
Coding change: c.1102G>A on transcript NM_000147.5 (MANE Select); coding-DNA position 1102, G replaced by A.
Protein change: p.Ala368Thr; replaces alanine 368 with threonine.
Molecular consequence: missense variant. On other transcripts: non-coding transcript variant (4).
Genome position (GRCh38, 1-based): chr1:23,848,707, C>T on the plus strand (G>A on the coding strand, the complement: FUCA1 is on the minus strand). VCF-style: chr1-23848707-C-T. GRCh37 (hg19) VCF-style: chr1-24175197-C-T.
Other names: c.1102G>A (NM_000147.4); short protein forms A368T.
Identifiers: ClinVar variation 2145734 (VCV002145734.5), dbSNP rs374427540, ClinGen allele CA686363.

ClinVar aggregate classification (germline): Uncertain significance. Review status: criteria provided, multiple submitters, no conflicts (2 of 4 stars). 2 submissions from 2 submitters: Uncertain significance (2). Last evaluated 2025-10-01.

Conditions:
Inborn genetic diseases. Identifiers: MedGen C0950123, MeSH D030342.
Fucosidosis. Also called: ALPHA-L-FUCOSIDASE DEFICIENCY. Identifiers: Orphanet 349, MedGen C0016788, MONDO:0009254, OMIM 230000.

Allele frequency attached by ClinVar (database versions not stated): ESP Exome Variant Server 0.00008; gnomAD 0.00011; ExAC 0.00002; gnomAD exomes 0.00002; TOPMed 0.00006.

Submissions (2):

Labcorp Genetics (formerly Invitae), Labcorp
Classification: Uncertain significance for Fucosidosis. Last evaluated: 2025-10-01. Review status: criteria provided, single submitter. Criteria: Invitae Variant Classification Sherloc (09022015). Collection method: clinical testing. Allele origin: germline.
Comment: This sequence change replaces alanine, which is neutral and non-polar, with threonine, which is neutral and polar, at codon 368 of the FUCA1 protein (p.Ala368Thr). This variant is present in population databases (rs374427540, gnomAD 0.01%). This variant has not been reported in the literature in individuals affected with FUCA1-related conditions. ClinVar contains an entry for this variant (Variation ID: 2145734). Invitae Evidence Modeling of protein sequence and biophysical properties (such as structural, functional, and spatial information, amino acid conservation, physicochemical variation, residue mobility, and thermodynamic stability) has been performed for this missense variant. However, the output from this modeling did not meet the statistical confidence thresholds required to predict the impact of this variant on FUCA1 protein function. In summary, the available evidence is currently insufficient to determine the role of this variant in disease. Therefore, it has been classified as a Variant of Uncertain Significance.

Ambry Genetics
Classification: Uncertain significance for Inborn genetic diseases. Last evaluated: 2024-07-30. Review status: criteria provided, single submitter. Criteria: Ambry Variant Classification Scheme 2023. Collection method: clinical testing. Allele origin: germline.